The following is an entry in ClinVar:

ClinVar aggregate classification (germline): Uncertain significance (1 of 4 stars; one submission).

Conditions:
Cardiovascular phenotype. Identifiers: MedGen CN230736.

Submission:

Ambry Genetics
Classification: Uncertain significance for Cardiovascular phenotype. Last evaluated: 2026-09-11. Review status: criteria provided, single submitter. Criteria: Ambry Variant Classification Scheme 2023. Collection method: clinical testing. Allele origin: germline.
Comment: The p.N106K variant (also known as c.318C>A), located in coding exon 4 of the APOB gene, results from a C to A substitution at nucleotide position 318. The asparagine at codon 106 is replaced by lysine, an amino acid with similar properties. This amino acid position is conserved. In addition, this alteration is predicted to be tolerated by in silico analysis. Based on the available evidence, the clinical significance of this variant remains unclear.

NM_000384.3(APOB):c.318C>A (p.Asn106Lys)

Gene: APOB (apolipoprotein B; minus strand). Cytogenetic location: 2p24.1.
Variant type: single nucleotide variant.
Coding change: c.318C>A on transcript NM_000384.3 (MANE Select); coding-DNA position 318, C replaced by A.
Protein change: p.Asn106Lys; replaces asparagine 106 with lysine.
Molecular consequence: missense variant.
Genome position (GRCh38, 1-based): chr2:21,041,003, G>T on the plus strand (C>A on the coding strand, the complement: APOB is on the minus strand). VCF-style: chr2-21041003-G-T. GRCh37 (hg19) VCF-style: chr2-21263875-G-T.
Other names: short protein forms N106K.
Identifiers: ClinVar variation 2528222 (VCV002528222.3), dbSNP rs371662800, ClinGen allele CA345963990.